The following is an entry in ClinVar:

ClinVar aggregate classification (germline): Likely pathogenic (1 of 4 stars; one submission).

Conditions:
Koolen-de Vries syndrome (KDVS). Identifiers: Orphanet 96169, MedGen C1864871, MONDO:0012496, OMIM 610443.

Allele frequency attached by ClinVar (database versions not stated): gnomAD exomes below 0.00001; ExAC 0.00001.
gnomAD v4.1: 1 of 1,590,574 alleles (0.000063%); highest among the groups gnomAD compares: Non-Finnish European, 0.000086%; no homozygotes.

Submission:

Labcorp Genetics (formerly Invitae), Labcorp
Classification: Likely pathogenic for Koolen-de Vries syndrome. Last evaluated: 2023-07-16. Review status: criteria provided, single submitter. Criteria: Invitae Variant Classification Sherloc (09022015). Collection method: clinical testing. Allele origin: germline.
Comment: Algorithms developed to predict the effect of sequence changes on RNA splicing suggest that this variant may disrupt the consensus splice site. In summary, the currently available evidence indicates that the variant is pathogenic, but additional data are needed to prove that conclusively. Therefore, this variant has been classified as Likely Pathogenic. This variant has not been reported in the literature in individuals affected with KANSL1-related conditions. This variant is present in population databases (rs771780488, gnomAD 0.0009%). This sequence change affects a donor splice site in intron 4 of the KANSL1 gene. It is expected to disrupt RNA splicing. Variants that disrupt the donor or acceptor splice site typically lead to a loss of protein function (PMID: 16199547), and loss-of-function variants in KANSL1 are known to be pathogenic (PMID: 22544363, 22544367).

Literature cited by the submitters: PubMed 16199547; PubMed 22544363; PubMed 22544367.

NM_015443.4(KANSL1):c.1533+1G>A

Gene: KANSL1 (KAT8 regulatory NSL complex subunit 1). Cytogenetic location: 17q21.31.
Variant type: single nucleotide variant.
Coding change: c.1533+1G>A on transcript NM_015443.4 (MANE Select); the canonical splice donor site of the intron after coding-DNA position 1533, G replaced by A.
Molecular consequence: splice donor variant. On other transcripts: intron variant (4).
Genome position (GRCh38, 1-based): chr17:46,082,440, C>T on the plus strand (G>A on the coding strand, the complement: KANSL1 is on the minus strand). VCF-style: chr17-46082440-C-T. GRCh37 (hg19) VCF-style: chr17-44159806-C-T.
Other names: c.267+1G>A (NM_001405885.1, NM_001405884.1, NM_001405883.1 and 1 more transcripts); c.1431+12120G>A (NM_001405881.1, NM_001405861.1, NM_001405859.1 and 1 more transcripts); c.1533+1G>A (NM_001405879.1, NM_001405875.1, NM_001193465.2 and 14 more transcripts).
Identifiers: ClinVar variation 2743783 (VCV002743783.3), dbSNP rs771780488, ClinGen allele CA8618801.
Genomic context (GRCh38, chr17:46,082,440, plus strand): 5'-GTGTGCCAAGACAACACCCTTAATTCTCACGCATTTCCCCCTTTCTATCTTTTATACTTA[C>T]CAATTTATCAGTCCCATGATCTGTCTTCACCTCAGAACTAAGTGGAAGAAATAAGTCTGT-3'